The following is an entry in ClinVar:

NM_000548.5(TSC2):c.336+1G>T

Gene: TSC2 (TSC complex subunit 2; plus strand). Cytogenetic location: 16p13.3.
Variant type: single nucleotide variant.
Coding change: c.336+1G>T on transcript NM_000548.5 (MANE Select); the canonical splice donor site of the intron after coding-DNA position 336, G replaced by T.
Molecular consequence: splice donor variant. On other transcripts: missense variant (3), 5 prime UTR variant (1), intron variant (9).
Genome position (GRCh38, 1-based): chr16:2,053,453, G>T. VCF-style: chr16-2053453-G-T. GRCh37 (hg19) VCF-style: chr16-2103454-G-T.
Other names: c.337G>T, p.Val113Leu (NM_001406667.1, NM_001406668.1); c.190G>T, p.Val64Leu (NM_001406677.1); c.-1401G>T (NM_001406693.1); c.-481+1G>T (NM_001406680.1, NM_001406683.1, NM_001406687.1); c.-1096+1G>T (NM_001406689.1, NM_001406690.1, NM_001406692.1 and 2 more transcripts); c.-1272+1G>T (NM_001406698.1); c.336+1G>T (NM_001114382.3, NM_001406663.1, NM_001406664.1 and 8 more transcripts); c.-977+1G>T (NM_001406694.1, NM_001406695.1); and 6 more; short protein forms V64L, V113L.
Identifiers: ClinVar variation 2109602 (VCV002109602.7), dbSNP rs45517102, ClinGen allele CA394306098.

ClinVar aggregate classification (germline): Pathogenic/Likely pathogenic. Review status: criteria provided, multiple submitters, no conflicts (2 of 4 stars). 2 submissions from 2 submitters: Pathogenic (1); Likely pathogenic (1). Last evaluated 2024-01-18.

Conditions:
Tuberous sclerosis 2 (TSC2). Identifiers: Orphanet 805, MedGen C1860707, MONDO:0013199, OMIM 613254.

Submissions (2):

Labcorp Genetics (formerly Invitae), Labcorp
Classification: Pathogenic for Tuberous sclerosis 2. Last evaluated: 2024-01-18. Review status: criteria provided, single submitter. Criteria: Invitae Variant Classification Sherloc (09022015). Collection method: clinical testing. Allele origin: germline.
Comment: This sequence change affects a donor splice site in intron 4 of the TSC2 gene. It is expected to disrupt RNA splicing. Variants that disrupt the donor or acceptor splice site typically lead to a loss of protein function (PMID: 16199547), and loss-of-function variants in TSC2 are known to be pathogenic (PMID: 10205261, 17304050). This variant is not present in population databases (gnomAD no frequency). Disruption of this splice site has been observed in individuals with clinical features of tuberous sclerosis (PMID: 12015165; Invitae). ClinVar contains an entry for this variant (Variation ID: 2109602). Algorithms developed to predict the effect of sequence changes on RNA splicing suggest that this variant may disrupt the consensus splice site. For these reasons, this variant has been classified as Pathogenic.

Revvity Omics, Revvity
Classification: Likely pathogenic for Tuberous sclerosis 2. Last evaluated: 2022-10-05. Review status: criteria provided, single submitter. Criteria: ACMG Guidelines, 2015. Collection method: clinical testing. Allele origin: germline.

Literature cited by the submitters: PubMed 16199547 (cited by Labcorp Genetics (formerly Invitae), Labcorp); PubMed 10205261 (cited by Labcorp Genetics (formerly Invitae), Labcorp); PubMed 17304050 (cited by Labcorp Genetics (formerly Invitae), Labcorp); PubMed 12015165 (cited by Labcorp Genetics (formerly Invitae), Labcorp).